The following is an entry in ClinVar:

NM_015896.4(ZMYND10):c.637C>A (p.His213Asn)

Gene: ZMYND10 (zinc finger MYND-type containing 10; minus strand). Cytogenetic location: 3p21.31.
Variant type: single nucleotide variant.
Coding change: c.637C>A on transcript NM_015896.4 (MANE Select); coding-DNA position 637, C replaced by A.
Protein change: p.His213Asn; replaces histidine 213 with asparagine.
Molecular consequence: missense variant. On other transcripts: intron variant (1).
Genome position (GRCh38, 1-based): chr3:50,342,981, G>T on the plus strand (C>A on the coding strand, the complement: ZMYND10 is on the minus strand). VCF-style: chr3-50342981-G-T. GRCh37 (hg19) VCF-style: chr3-50380412-G-T.
Other names: c.599+137C>A (NM_001308379.2); short protein forms H213N.
Identifiers: ClinVar variation 660905 (VCV000660905.1), dbSNP rs199711270, ClinGen allele CA2417141.
Genomic context (GRCh38, chr3:50,342,981, plus strand): 5'-CTTCCCGCCGGCTCCAGGGACTATGCTCCAGCAGTTCCACCAGGAGGCAGGGCAGGTTGT[G>T]TGTGCTAAGCATACGGCTCAAGGTGCTGAGAGAGAGGCTAGGGGCAGGGACGTTGTGAAG-3'
Protein context (NP_056980.2, residues 203-223): LSTLSRMLST[His213Asn]NLPCLLVELL

ClinVar aggregate classification (germline): Uncertain significance (1 of 4 stars; one submission).

Conditions:
Primary ciliary dyskinesia. Also called: Ciliary dyskinesia. Identifiers: Orphanet 244, MedGen C0008780, MONDO:0016575, HP:0012265.

Allele frequency attached by ClinVar (database versions not stated): TOPMed 0.00002.

Submission:

Labcorp Genetics (formerly Invitae), Labcorp
Classification: Uncertain significance for Primary ciliary dyskinesia. Last evaluated: 2018-11-05. Review status: criteria provided, single submitter. Criteria: Invitae Variant Classification Sherloc (09022015). Collection method: clinical testing. Allele origin: germline.
Comment: This sequence change replaces histidine with asparagine at codon 213 of the ZMYND10 protein (p.His213Asn). The histidine residue is highly conserved and there is a small physicochemical difference between histidine and asparagine. This variant is present in population databases (rs199711270, ExAC 0.009%). This variant has not been reported in the literature in individuals with ZMYND10-related disease. Algorithms developed to predict the effect of missense changes on protein structure and function are either unavailable or do not agree on the potential impact of this missense change (SIFT: "Deleterious"; PolyPhen-2: "Benign"; Align-GVGD: "Class C65"). In summary, the available evidence is currently insufficient to determine the role of this variant in disease. Therefore, it has been classified as a Variant of Uncertain Significance.